The following is an entry in ClinVar:

NM_177438.3(DICER1):c.2670G>T (p.Leu890Phe)

Gene: DICER1 (dicer 1, ribonuclease III; minus strand). Cytogenetic location: 14q32.13.
Variant type: single nucleotide variant.
Coding change: c.2670G>T on transcript NM_177438.3 (MANE Select); coding-DNA position 2670, G replaced by T.
Protein change: p.Leu890Phe; replaces leucine 890 with phenylalanine.
Molecular consequence: missense variant. On other transcripts: non-coding transcript variant (6).
Genome position (GRCh38, 1-based): chr14:95,107,742, C>A on the plus strand (G>T on the coding strand, the complement: DICER1 is on the minus strand). VCF-style: chr14-95107742-C-A. GRCh37 (hg19) VCF-style: chr14-95574079-C-A.
Other names: c.2670G>T, p.Leu890Phe (NM_001395682.1, NM_001395679.1, NM_001395677.1 and 12 more transcripts); c.2265G>T, p.Leu755Phe (NM_001395696.1, NM_001395687.1, NM_001395688.1 and 2 more transcripts); c.987G>T, p.Leu329Phe (NM_001395697.1); c.2388G>T, p.Leu796Phe (NM_001395686.1); c.2103G>T, p.Leu701Phe (NM_001395691.1); short protein forms L755F, L329F, L701F, L890F, L796F.
Identifiers: ClinVar variation 3271988 (VCV003271988.1).

ClinVar aggregate classification (germline): Uncertain significance (1 of 4 stars; one submission).

Conditions:
Hereditary cancer-predisposing syndrome. Also called: Tumor predisposition; Hereditary Cancer Syndrome; Hereditary neoplastic syndrome; Neoplastic Syndromes, Hereditary. Identifiers: Orphanet 140162, MedGen C0027672, MeSH D009386, MONDO:0015356.

Submission:

Ambry Genetics
Classification: Uncertain significance for Hereditary cancer-predisposing syndrome. Last evaluated: 2024-03-25. Review status: criteria provided, single submitter. Criteria: Ambry Variant Classification Scheme 2023. Collection method: clinical testing. Allele origin: germline.
Comment: The p.L890F variant (also known as c.2670G>T), located in coding exon 16 of the DICER1 gene, results from a G to T substitution at nucleotide position 2670. The leucine at codon 890 is replaced by phenylalanine, an amino acid with highly similar properties. This amino acid position is conserved. In addition, the in silico prediction for this alteration is inconclusive. Based on the available evidence, the clinical significance of this alteration remains unclear.